The following is an entry in ClinVar:

ClinVar aggregate classification (germline): Conflicting classifications of pathogenicity. Review status: criteria provided, conflicting classifications (1 of 4 stars). 4 submissions from 4 submitters: Uncertain significance (1); Likely benign (2). 1 of the submissions does not count toward it. Last evaluated 2025-11-10.

Conditions:
PKD2-related disorder. Also called: PKD2-related condition.
Autosomal dominant polycystic kidney disease. Identifiers: Orphanet 730, MedGen C0085413, MONDO:0004691.

Allele frequency attached by ClinVar (database versions not stated): gnomAD exomes 0.00008 and 0.00084; gnomAD 0.00010 and 0.00011; TOPMed 0.00012.
gnomAD v4.1: 96 of 1,167,354 alleles (0.0082%); highest among the groups gnomAD compares: Admixed American, 0.039%; no homozygotes.

Submissions (4):

Labcorp Genetics (formerly Invitae), Labcorp
Classification: Likely benign for Autosomal dominant polycystic kidney disease. Last evaluated: 2025-11-10. Review status: criteria provided, single submitter. Criteria: Invitae Variant Classification Sherloc (09022015). Collection method: clinical testing. Allele origin: germline.

Women's Health and Genetics/Laboratory Corporation of America, LabCorp
Classification: Uncertain significance. Last evaluated: 2025-09-15. Review status: criteria provided, single submitter. Criteria: LabCorp Variant Classification Summary - May 2015. Collection method: clinical testing. Allele origin: germline.
Comment: Variant summary: PKD2 c.70C>T (p.Pro24Ser) results in a non-conservative amino acid change in the encoded protein sequence. Algorithms developed to predict the effect of missense changes on protein structure and function are either unavailable or do not agree on the potential impact of this missense change. The variant allele was found at a frequency of 8.2e-05 in 1167354 control chromosomes. This frequency is not significantly higher than estimated for disease-causing variants in PKD2, allowing no conclusion about variant significance. To our knowledge, no occurrence of c.70C>T in individuals affected with PKD2-related conditions and no experimental evidence demonstrating its impact on protein function have been reported. ClinVar contains an entry for this variant (Variation ID: 188333). Based on the evidence outlined above, the variant was classified as uncertain significance.

Blueprint Genetics
Classification: Likely benign. Last evaluated: 2023-09-14. Review status: criteria provided, single submitter. Criteria: ACMG Guidelines, 2015. Collection method: clinical testing. Allele origin: germline.

PreventionGenetics, part of Exact Sciences
Classification: Benign for PKD2-related condition. Last evaluated: 2022-08-23. Review status: no assertion criteria provided. Collection method: clinical testing. Allele origin: germline. Not counted in ClinVar's aggregate classification.
Comment: This variant is classified as benign based on ACMG/AMP sequence variant interpretation guidelines (Richards et al. 2015 PMID: 25741868, with internal and published modifications).

NM_000297.4(PKD2):c.70C>T (p.Pro24Ser)

Genes: PKD2 (polycystin 2, transient receptor potential cation channel; plus strand), LOC129992813 (ATAC-STARR-seq lymphoblastoid silent region 15559; plus strand). Cytogenetic location: 4q22.1.
Variant type: single nucleotide variant.
Coding change: c.70C>T on transcript NM_000297.4 (MANE Select); coding-DNA position 70, C replaced by T.
Protein change: p.Pro24Ser; replaces proline 24 with serine.
Molecular consequence: missense variant. On other transcripts: non-coding transcript variant (1).
Genome position (GRCh38, 1-based): chr4:88,007,803, C>T. VCF-style: chr4-88007803-C-T. GRCh37 (hg19) VCF-style: chr4-88928955-C-T.
Other names: short protein forms P24S.
Identifiers: ClinVar variation 188333 (VCV000188333.13), dbSNP rs786204221, ClinGen allele CA334636.